The following is an entry in ClinVar:

ClinVar aggregate classification (germline): Pathogenic (1 of 4 stars; one submission).

Conditions:
ALG6-congenital disorder of glycosylation 1C (CDG1C). Also called: CARBOHYDRATE-DEFICIENT GLYCOPROTEIN SYNDROME, TYPE I, WITH DEFICIENT GLYCOSYLATION OF DOLICHOL-LINKED OLIGOSACCHARIDE; CARBOHYDRATE-DEFICIENT GLYCOPROTEIN SYNDROME, TYPE V; Congenital disorder of glycosylation type 1C; CDG Ic; Congenital disorder of glycosylation, type Ic. Identifiers: Orphanet 79320, MedGen C2930997, MONDO:0011291, OMIM 603147.

Submission:

Labcorp Genetics (formerly Invitae), Labcorp
Classification: Pathogenic for ALG6-congenital disorder of glycosylation 1C. Last evaluated: 2022-02-28. Review status: criteria provided, single submitter. Criteria: Invitae Variant Classification Sherloc (09022015). Collection method: clinical testing. Allele origin: germline.
Comment: For these reasons, this variant has been classified as Pathogenic. This variant has not been reported in the literature in individuals affected with ALG6-related conditions. This variant is not present in population databases (gnomAD no frequency). This sequence change creates a premature translational stop signal (p.Phe264Serfs*12) in the ALG6 gene. It is expected to result in an absent or disrupted protein product. Loss-of-function variants in ALG6 are known to be pathogenic (PMID: 19862844).

Literature cited by the submitters: PubMed 19862844.

NM_013339.4(ALG6):c.791del (p.Phe264fs)

Gene: ALG6 (ALG6 alpha-1,3-glucosyltransferase; plus strand). Cytogenetic location: 1p31.3.
Variant type: Deletion.
Coding change: c.791del on transcript NM_013339.4 (MANE Select); coding-DNA position 791, one base deleted (T; older notation c.791delT).
Protein change: p.Phe264fs; shifts the reading frame from phenylalanine 264.
Molecular consequence: frameshift variant.
Genome position (GRCh38, 1-based): chr1:63,412,036, T deleted; the last of 2 consecutive T bases (chr1:63,412,035-63,412,036); deleting either gives the same sequence. VCF-style (leftmost placement, unchanged base first): chr1-63412034-CT-C. GRCh37 (hg19) VCF-style: chr1-63877705-CT-C.
Other names: short protein forms F264fs.
Identifiers: ClinVar variation 1450530 (VCV001450530.7), dbSNP rs2100421716, ClinGen allele CA2573132538.